The following is an entry in ClinVar:

NM_001006658.3(CR2):c.2218G>A (p.Val740Ile)

Gene: CR2 (complement C3d receptor 2; plus strand). Cytogenetic location: 1q32.2.
Variant type: single nucleotide variant.
Coding change: c.2218G>A on transcript NM_001006658.3 (MANE Select); coding-DNA position 2218, G replaced by A.
Protein change: p.Val740Ile; replaces valine 740 with isoleucine.
Molecular consequence: missense variant.
Genome position (GRCh38, 1-based): chr1:207,473,863, G>A. VCF-style: chr1-207473863-G-A. GRCh37 (hg19) VCF-style: chr1-207647208-G-A.
Other names: c.2041G>A, p.Val681Ile (NM_001877.5); short protein forms V740I, V681I.
Identifiers: ClinVar variation 862129 (VCV000862129.8), dbSNP rs546560368, ClinGen allele CA1368910.

ClinVar aggregate classification (germline): Uncertain significance. Review status: criteria provided, multiple submitters, no conflicts (2 of 4 stars). 2 submissions from 2 submitters: Uncertain significance (2). Last evaluated 2025-01-18.

Conditions:
Immunodeficiency, common variable, 7. Identifiers: Orphanet 1572, Orphanet 696894, MedGen C3542922, MONDO:0013862, OMIM 614699.
Inborn genetic diseases. Identifiers: MedGen C0950123, MeSH D030342.

Allele frequency attached by ClinVar (database versions not stated): gnomAD exomes 0.00006 and 0.00002; gnomAD 0.00022 and 0.00021; 1000 Genomes Project 0.00060; TOPMed 0.00028; ExAC 0.00007; 1000 Genomes Project 30x 0.00062.
gnomAD v4.1: 62 of 1,613,918 alleles (0.0038%); highest among the groups gnomAD compares: African/African-American, 0.061%; no homozygotes.

Submissions (2):

Ambry Genetics
Classification: Uncertain significance for Inborn genetic diseases. Last evaluated: 2025-01-18. Review status: criteria provided, single submitter. Criteria: Ambry Variant Classification Scheme 2023. Collection method: clinical testing. Allele origin: germline.

Labcorp Genetics (formerly Invitae), Labcorp
Classification: Uncertain significance for Immunodeficiency, common variable, 7. Last evaluated: 2022-07-26. Review status: criteria provided, single submitter. Criteria: Invitae Variant Classification Sherloc (09022015). Collection method: clinical testing. Allele origin: germline.
Comment: This sequence change replaces valine, which is neutral and non-polar, with isoleucine, which is neutral and non-polar, at codon 740 of the CR2 protein (p.Val740Ile). This variant is present in population databases (rs546560368, gnomAD 0.07%). This variant has not been reported in the literature in individuals affected with CR2-related conditions. ClinVar contains an entry for this variant (Variation ID: 862129). Algorithms developed to predict the effect of missense changes on protein structure and function (SIFT, PolyPhen-2, Align-GVGD) all suggest that this variant is likely to be tolerated. In summary, the available evidence is currently insufficient to determine the role of this variant in disease. Therefore, it has been classified as a Variant of Uncertain Significance.